The following is an entry in ClinVar:

ClinVar aggregate classification (germline): Pathogenic (1 of 4 stars; one submission).

Conditions:
Landau-Kleffner syndrome (FESD). Also called: EPILEPSY, FOCAL, WITH SPEECH DISORDER AND WITH OR WITHOUT MENTAL RETARDATION; APHASIA, ACQUIRED, WITH EPILEPSY. Identifiers: Orphanet 1945, Orphanet 725, Orphanet 98818, MedGen C0282512, MONDO:0009509, OMIM 245570.

Submission:

Labcorp Genetics (formerly Invitae), Labcorp
Classification: Pathogenic for Landau-Kleffner syndrome. Last evaluated: 2023-04-03. Review status: criteria provided, single submitter. Criteria: Invitae Variant Classification Sherloc (09022015). Collection method: clinical testing. Allele origin: unknown.
Comment: For these reasons, this variant has been classified as Pathogenic. This variant disrupts a region of the GRIN2A protein in which other variant(s) (p.Asn1397Glnfs*23) have been determined to be pathogenic (PMID: 25724810). This suggests that this is a clinically significant region of the protein, and that variants that disrupt it are likely to be disease-causing. This variant has not been reported in the literature in individuals affected with GRIN2A-related conditions. This variant is a gross deletion of the genomic region encompassing exon(s) 13 of the GRIN2A gene. While this deletion is not anticipated to lead to nonsense mediated decay, it is expected to disrupt the C-terminus of the protein.

Literature cited by the submitters: PubMed 25724810.

NC_000016.9:g.(?_9862688)_(9862966_?)del

Gene: GRIN2A (glutamate ionotropic receptor NMDA type subunit 2A; minus strand). Cytogenetic location: 16p13.2.
Variant type: Deletion.
Identifiers: ClinVar variation 3243408 (VCV003243408.1).